The following is an entry in ClinVar:

ClinVar aggregate classification (germline): Pathogenic (1 of 4 stars; one submission).

Conditions:
Pheochromocytoma. Also called: MAX-Related Hereditary Paraganglioma-Pheochromocytoma Syndrome. Identifiers: Orphanet 29072, MedGen C0031511, MONDO:0008233, OMIM 171300, HP:0002666.
Paragangliomas with sensorineural hearing loss. Identifiers: MedGen C1868633.
Carney-Stratakis syndrome. Also called: PARAGANGLIOMA AND GASTROINTESTINAL STROMAL TUMOR. Identifiers: Orphanet 97286, MedGen C1847319, MONDO:0011740, OMIM 606864.
Cowden syndrome 3 (CWS3). Identifiers: Orphanet 201, MedGen CN166604, MONDO:0014045.

Submission:

Labcorp Genetics (formerly Invitae), Labcorp
Classification: Pathogenic for Carney-Stratakis syndrome; Paragangliomas with sensorineural hearing loss; Pheochromocytoma; Cowden syndrome 3. Last evaluated: 2024-10-23. Review status: criteria provided, single submitter. Criteria: Invitae Variant Classification Sherloc (09022015). Collection method: clinical testing. Allele origin: germline.
Comment: This sequence change creates a premature translational stop signal (p.Leu4Serfs*4) in the SDHD gene. It is expected to result in an absent or disrupted protein product. Loss-of-function variants in SDHD are known to be pathogenic (PMID: 19454582, 19802898). This variant is not present in population databases (gnomAD no frequency). This variant has not been reported in the literature in individuals affected with SDHD-related conditions. For these reasons, this variant has been classified as Pathogenic.

Literature cited by the submitters: PubMed 19454582; PubMed 19802898.

NM_003002.4(SDHD):c.10del (p.Leu4fs)

Genes: SDHD (succinate dehydrogenase complex subunit D; plus strand), LOC126861339 (BRD4-independent group 4 enhancer GRCh37_chr11:111957035-111958234; plus strand). Cytogenetic location: 11q23.1.
Variant type: Deletion.
Coding change: c.10del on transcript NM_003002.4 (MANE Select); coding-DNA position 10, one base deleted (C; older notation c.10delC).
Protein change: p.Leu4fs; shifts the reading frame from leucine 4.
Molecular consequence: frameshift variant. On other transcripts: non-coding transcript variant (1).
Genome position (GRCh38, 1-based): chr11:112,086,917, C deleted. VCF-style (leftmost placement, unchanged base first): chr11-112086916-TC-T. GRCh37 (hg19) VCF-style: chr11-111957640-TC-T.
Other names: c.10del, p.Leu4fs (NM_001276503.2, NM_001276504.2, NM_001276506.2); short protein forms L4fs.
Identifiers: ClinVar variation 3753112 (VCV003753112.2).